The following is an entry in ClinVar:

NM_001099271.2(POC5):c.866G>A (p.Arg289His)

Gene: POC5 (POC5 centriolar protein; minus strand). Cytogenetic location: 5q13.3.
Variant type: single nucleotide variant.
Coding change: c.866G>A on transcript NM_001099271.2 (MANE Select); coding-DNA position 866, G replaced by A.
Protein change: p.Arg289His; replaces arginine 289 with histidine.
Molecular consequence: missense variant.
Genome position (GRCh38, 1-based): chr5:75,690,492, C>T on the plus strand (G>A on the coding strand, the complement: POC5 is on the minus strand). VCF-style: chr5-75690492-C-T. GRCh37 (hg19) VCF-style: chr5-74986317-C-T.
Other names: c.791G>A, p.Arg264His (NM_152408.3); short protein forms R264H, R289H.
Identifiers: ClinVar variation 2373845 (VCV002373845.4), dbSNP rs202144329, ClinGen allele CA3310457.

ClinVar aggregate classification (germline): Conflicting classifications of pathogenicity. Review status: criteria provided, conflicting classifications (1 of 4 stars). 2 submissions from 2 submitters: Uncertain significance (1); Likely benign (1). Last evaluated 2025-03-30.

Allele frequency attached by ClinVar (database versions not stated): TOPMed 0.00006; ESP Exome Variant Server 0.00008; ExAC 0.00010.
gnomAD v4.1: 250 of 1,608,346 alleles (0.016%); highest among the groups gnomAD compares: Non-Finnish European, 0.019%; no homozygotes.

Submissions (2):

Labcorp Genetics (formerly Invitae), Labcorp
Classification: Uncertain significance. Last evaluated: 2025-03-30. Review status: criteria provided, single submitter. Criteria: Invitae Variant Classification Sherloc (09022015). Collection method: clinical testing. Allele origin: germline.
Comment: This sequence change replaces arginine, which is basic and polar, with histidine, which is basic and polar, at codon 289 of the POC5 protein (p.Arg289His). The frequency data for this variant in the population databases is considered unreliable, as metrics indicate poor data quality at this position in the gnomAD database. This variant has not been reported in the literature in individuals affected with POC5-related conditions. ClinVar contains an entry for this variant (Variation ID: 2373845). An algorithm developed to predict the effect of missense changes on protein structure and function outputs the following: PolyPhen-2: "Benign". The histidine amino acid residue is found in multiple mammalian species, which suggests that this missense change does not adversely affect protein function. In summary, the available evidence is currently insufficient to determine the role of this variant in disease. Therefore, it has been classified as a Variant of Uncertain Significance.

Ambry Genetics
Classification: Likely benign. Last evaluated: 2022-03-22. Review status: criteria provided, single submitter. Criteria: Ambry Variant Classification Scheme 2023. Collection method: clinical testing. Allele origin: germline.